The following is an entry in ClinVar:

NM_021625.5(TRPV4):c.557G>A (p.Arg186Gln)

Gene: TRPV4 (transient receptor potential cation channel subfamily V member 4; minus strand). Cytogenetic location: 12q24.11.
Variant type: single nucleotide variant.
Coding change: c.557G>A on transcript NM_021625.5 (MANE Select); coding-DNA position 557, G replaced by A.
Protein change: p.Arg186Gln; replaces arginine 186 with glutamine.
Molecular consequence: missense variant.
Genome position (GRCh38, 1-based): chr12:109,808,298, C>T on the plus strand (G>A on the coding strand, the complement: TRPV4 is on the minus strand). VCF-style: chr12-109808298-C-T. GRCh37 (hg19) VCF-style: chr12-110246103-C-T.
Other names: c.557G>A, p.Arg186Gln (NM_001177428.2, NM_001177433.2, NM_147204.3); c.455G>A, p.Arg152Gln (NM_001177431.2); short protein forms R186Q, R152Q.
Identifiers: ClinVar variation 39419 (VCV000039419.23), dbSNP rs397514494, ClinGen allele CA204955.

ClinVar aggregate classification (germline): Pathogenic/Likely pathogenic. Review status: criteria provided, multiple submitters, no conflicts (2 of 4 stars). 10 submissions from 9 submitters: Pathogenic (5); Likely pathogenic (2). 3 of the submissions do not count toward it. Last evaluated 2026-04-09.

Conditions:
TRPV4-Related Hereditary Motor And Sensory Neuropathy.
Inborn genetic diseases. Identifiers: MedGen C0950123, MeSH D030342.
Neuromuscular disease. Also called: Neuromuscular disorder; Neuromyopathy. Identifiers: Orphanet 68381, MedGen C0027868, MeSH D009468, MONDO:0019056.
Charcot-Marie-Tooth disease axonal type 2C (HMSN2C). Also called: Charcot-Marie-Tooth Disease Type 2, TRPV4-Related (CMT2C); CHARCOT-MARIE-TOOTH DISEASE, AXONAL, AUTOSOMAL DOMINANT, TYPE 2C; Charcot-Marie-Tooth Neuropathy Type 2C. Identifiers: Orphanet 99937, MedGen C1853710, MONDO:0011633, OMIM 606071.
Neuronopathy, distal hereditary motor, autosomal dominant 8. Also called: NEURONOPATHY, DISTAL HEREDITARY MOTOR, TYPE VIII; NEUROPATHY, DISTAL HEREDITARY MOTOR, TYPE VIII; SPINAL MUSCULAR ATROPHY, CONGENITAL BENIGN, WITH CONTRACTURES; Autosomal dominant congenital benign spinal muscular atrophy. Identifiers: Orphanet 1216, MedGen C1838492, MONDO:0010839, OMIM 600175.

Allele frequency attached by ClinVar (database versions not stated): gnomAD exomes below 0.00001.
gnomAD v4.1: 3 of 1,614,058 alleles (0.00019%); highest among the groups gnomAD compares: Non-Finnish European, 0.00025%; no homozygotes.

Submissions (10):

Dasa
Classification: Pathogenic. Last evaluated: 2026-04-09. Review status: criteria provided, single submitter. Criteria: DASA Assertion Criteria. Collection method: clinical testing. Allele origin: germline.
Comment: NM_021625.5(TRPV4):c.557G>A (p.Arg186Gln) is a missense variant that results in the substitution of arginine with glutamine. This variant has been recurrently observed in individuals with TRPV4-related disorders (PMID: 39021275; PMID: 37470033; PMID: 32153140; PMID: 27549087; PMID: 22675077). Segregation data support an association with disease in the reported family/families (PMID: 37470033; PMID: 32153140; PMID: 27549087; PMID: 22675077). Functional evidence supports an impact on the gene or gene product (PMID: 39021275; PMID: 37470033; PMID: 32153140; PMID: 27549087; PMID: 22675077). Also, this variant is rare in population databases. Based on the currently available evidence, this variant is classified as pathogenic.

Women's Health and Genetics/Laboratory Corporation of America, LabCorp
Classification: Pathogenic for TRPV4-Related Hereditary Motor And Sensory Neuropathy. Last evaluated: 2025-12-30. Review status: criteria provided, single submitter. Criteria: LabCorp Variant Classification Summary - May 2015. Collection method: clinical testing. Allele origin: germline.
Comment: Variant summary: TRPV4 c.557G>A (p.Arg186Gln) results in a conservative amino acid change in the encoded protein sequence. Algorithms developed to predict the effect of missense changes on protein structure and function are either unavailable or do not agree on the potential impact of this missense change. Consensus agreement among computation tools predict no significant impact on normal splicing. However, these predictions have yet to be confirmed by functional studies. The variant was absent in 250802 control chromosomes (gnomAD). c.557G>A has been observed in multiple individuals affected with TRPV4-Related Diorders (e.g. Landoure_2012, Echaniz-Laguna_2014, Lassuthova_2016, Ravenscroft_2020). These data indicate that the variant is very likely to be associated with disease. At least one publication reports experimental evidence evaluating an impact on protein function, finding that the variant has a damaging effect (Landoure_2012). The following publications have been ascertained in the context of this evaluation (PMID: 22675077, 24789864, 27549087, 33060286). ClinVar contains an entry for this variant (Variation ID: 39419). Based on the evidence outlined above, the variant was classified as pathogenic.

GeneDx
Classification: Likely pathogenic. Last evaluated: 2025-04-01. Review status: criteria provided, single submitter. Criteria: GeneDx Variant Classification Process June 2021. Collection method: clinical testing. Allele origin: germline. Affected: yes.
Comment: Observed in an individual with distal arthrogryposis and ventricular septal defect in published literature; (PMID: 33060286); Published functional studies demonstrate a damaging effect on TRPV4 activity (PMID: 22675077); Not observed at significant frequency in large population cohorts (gnomAD); In silico analysis indicates that this missense variant does not alter protein structure/function; This variant is associated with the following publications: (PMID: 20037586, 33467654, 24830047, 27549087, 31041394, 35170874, 37893054, 39021275, 39870373, 37391745, 39964066, 33060286, 22675077, 34671977, 37470033, 24789864)

Clinical Genetics Laboratory, University Hospital Schleswig-Holstein
Classification: Pathogenic for Charcot-Marie-Tooth disease axonal type 2C. Last evaluated: 2025-03-11. Review status: criteria provided, single submitter. Criteria: ACMG Guidelines, 2015. Collection method: clinical testing. Allele origin: germline. Affected: yes. Observed: 1 heterozygote.
Comment: ACMG criteria applied: PM2, PS4, PS3_Supporting, PP1_Strong

Labcorp Genetics (formerly Invitae), Labcorp
Classification: Pathogenic for Charcot-Marie-Tooth disease axonal type 2C. Last evaluated: 2024-07-22. Review status: criteria provided, single submitter. Criteria: Invitae Variant Classification Sherloc (09022015). Collection method: clinical testing. Allele origin: germline.
Comment: This sequence change replaces arginine, which is basic and polar, with glutamine, which is neutral and polar, at codon 186 of the TRPV4 protein (p.Arg186Gln). This variant is not present in population databases (gnomAD no frequency). This missense change has been observed in individuals with clinical features of TRPV4-related conditions (PMID: 22675077, 24789864, 33060286; Invitae). It has also been observed to segregate with disease in related individuals. ClinVar contains an entry for this variant (Variation ID: 39419). An algorithm developed to predict the effect of missense changes on protein structure and function (PolyPhen-2) suggests that this variant is likely to be tolerated. Experimental studies have shown that this missense change affects TRPV4 function (PMID: 22675077). For these reasons, this variant has been classified as Pathogenic.

Ambry Genetics
Classification: Likely pathogenic for Inborn genetic diseases. Last evaluated: 2019-05-17. Review status: criteria provided, single submitter. Criteria: Ambry exome assertion method (8-5-2015). Collection method: clinical testing. Allele origin: germline. Affected: yes. Observed: 1 variant allele.

Athena Diagnostics
Classification: Pathogenic. Last evaluated: 2016-12-02. Review status: criteria provided, single submitter. Criteria: Athena Diagnostics Criteria. Collection method: clinical testing. Allele origin: germline.

OMIM
Classification: Pathogenic for HEREDITARY MOTOR AND SENSORY NEUROPATHY, TYPE IIC. Last evaluated: 2014-05-27. Review status: no assertion criteria provided. Collection method: literature only. Allele origin: germline. Not counted in ClinVar's aggregate classification.

OMIM
Classification: Pathogenic for NEURONOPATHY, DISTAL HEREDITARY MOTOR, AUTOSOMAL DOMINANT 8. Last evaluated: 2014-05-27. Review status: no assertion criteria provided. Collection method: literature only. Allele origin: germline. Not counted in ClinVar's aggregate classification.

GeneReviews
No classification provided. Condition: Neuromuscular disease. Review status: no classification provided. Collection method: literature only. Allele origin: germline. Affected: yes. Not counted in ClinVar's aggregate classification.

Literature cited by the submitters: PubMed 39021275 (cited by Dasa); PubMed 37470033 (cited by Dasa); PubMed 32153140 (cited by Dasa); PubMed 27549087 (cited by 4 submitters); PubMed 22675077 (cited by 6 submitters); PubMed 33060286 (cited by Women's Health and Genetics/Laboratory Corporation of America, LabCorp and Labcorp Genetics (formerly Invitae), Labcorp); PubMed 24789864 (cited by 5 submitters); PubMed 20037586 (cited by OMIM); NCBI Bookshelf NBK201366 (cited by GeneReviews).